The following is an entry in ClinVar:

ClinVar aggregate classification (germline): Pathogenic. Review status: criteria provided, multiple submitters, no conflicts (2 of 4 stars). 2 submissions from 2 submitters: Pathogenic (2). Last evaluated 2021-09-20.

Conditions:
Cardiovascular phenotype. Identifiers: MedGen CN230736.
Familial thoracic aortic aneurysm and aortic dissection (TAAD). Also called: Thoracic aortic aneurysms and dissections. Identifiers: Orphanet 91387, MedGen C4707243, MONDO:0019625.
Marfan syndrome (MFS). Also called: Marfan syndrome type 1; Marfan syndrome, classic; Marfan's syndrome; FBN1-Related Marfan Syndrome; MARFAN SYNDROME, TYPE I. Identifiers: Orphanet 284963, Orphanet 558, MedGen C0024796, MONDO:0007947, OMIM 154700.

Submissions (2):

Labcorp Genetics (formerly Invitae), Labcorp
Classification: Pathogenic for Marfan syndrome; Familial thoracic aortic aneurysm and aortic dissection. Last evaluated: 2021-09-20. Review status: criteria provided, single submitter. Criteria: Invitae Variant Classification Sherloc (09022015). Collection method: clinical testing. Allele origin: germline.
Comment: ClinVar contains an entry for this variant (Variation ID: 520240). This sequence change creates a premature translational stop signal (p.Pro1090Leufs*17) in the FBN1 gene. It is expected to result in an absent or disrupted protein product. Loss-of-function variants in FBN1 are known to be pathogenic (PMID: 17657824, 19293843). This variant is not present in population databases (ExAC no frequency). This variant has not been reported in the literature in individuals affected with FBN1-related conditions. For these reasons, this variant has been classified as Pathogenic.

Ambry Genetics
Classification: Pathogenic for Cardiovascular phenotype. Last evaluated: 2013-01-24. Review status: criteria provided, single submitter. Criteria: Ambry Autosomal Dominant and X-Linked criteria (10/2015). Collection method: clinical testing. Allele origin: germline. Observed: 1 variant allele.

Literature cited by the submitters: PubMed 17657824 (cited by Labcorp Genetics (formerly Invitae), Labcorp); PubMed 19293843 (cited by Labcorp Genetics (formerly Invitae), Labcorp).

NM_000138.5(FBN1):c.3269del (p.Pro1090fs)

Gene: FBN1 (fibrillin 1; minus strand). Cytogenetic location: 15q21.1.
Variant type: Deletion.
Coding change: c.3269del on transcript NM_000138.5 (MANE Select); coding-DNA position 3269, one base deleted (C; older notation c.3269delC).
Protein change: p.Pro1090fs; shifts the reading frame from proline 1090.
Molecular consequence: frameshift variant.
Genome position (GRCh38, 1-based): chr15:48,488,181, G deleted on the plus strand (C on the coding strand, the reverse complement: FBN1 is on the minus strand); the first of 4 consecutive G bases (chr15:48,488,181-48,488,184); deleting any one gives the same sequence. VCF-style (leftmost placement, unchanged base first): chr15-48488180-AG-A. GRCh37 (hg19) VCF-style: chr15-48780377-AG-A.
Other names: c.3269delC (NM_000138.4); short protein forms P1090fs.
Identifiers: ClinVar variation 520240 (VCV000520240.8), dbSNP rs35656954, ClinGen allele CA269532070.
Genomic context (GRCh38, chr15:48,488,180, plus strand): 5'-GTTCTTCATCATCATGAATCCACTTTCATAGCCTTCGTCACACTTGCATTCAAAGTCCCC[AG>A]GGGTGTTCACACACTGGCCTCTGCCACAGAGGTCAGGAGATATGCGGCATTCGTCAATGT-3'